The following is an entry in ClinVar:

ClinVar aggregate classification (germline): Uncertain significance (1 of 4 stars; one submission).

Conditions:
Cystic fibrosis (CF). Also called: MUCOVISCIDOSIS. Identifiers: Orphanet 586, MedGen C0010674, MONDO:0009061, OMIM 219700. Disease mechanism: loss of function.

Allele frequency attached by ClinVar (database versions not stated): gnomAD 0.00001; TOPMed 0.00002.
gnomAD v4.1: 1 of 152,154 alleles (0.00066%); highest among the groups gnomAD compares: Non-Finnish European, 0.0015%; no homozygotes.

Submission:

Johns Hopkins Genomics, Johns Hopkins University
Classification: Uncertain significance for Cystic fibrosis. Last evaluated: 2022-07-23. Review status: criteria provided, single submitter. Criteria: ACMG Guidelines, 2015. Collection method: clinical testing. Allele origin: germline.
Comment: This CFTR variant (rs774461449) is rare (<0.1%) in a large population dataset (gnomAD: 1/152154 total alleles; 0.0007%; no homozygotes) and has not been reported in ClinVar nor the literature, to our knowledge. Three bioinformatic tools predict that this deep intronic variant may increase the strength of a cryptic donor site, although this has not been confirmed experimentally to our knowledge. Due to insufficient evidence that this variant is deleterious, we consider the clinical significance of CFTR c.1585-11006A>G to be uncertain at this time.

NM_000492.4(CFTR):c.1585-11006A>G

Gene: CFTR (CF transmembrane conductance regulator; plus strand). Cytogenetic location: 7q31.2.
Variant type: single nucleotide variant.
Coding change: c.1585-11006A>G on transcript NM_000492.4 (MANE Select); 11006 bases into the intron before coding-DNA position 1585, A replaced by G.
Molecular consequence: intron variant.
Genome position (GRCh38, 1-based): chr7:117,576,733, A>G. VCF-style: chr7-117576733-A-G. GRCh37 (hg19) VCF-style: chr7-117216787-A-G.
Identifiers: ClinVar variation 1704406 (VCV001704406.1), dbSNP rs774461449, ClinGen allele CA164941538.